The following is an entry in ClinVar:

ClinVar aggregate classification (germline): Uncertain significance (1 of 4 stars; one submission).

Conditions:
Charcot-Marie-Tooth Neuropathy X. Identifiers: MedGen CN118851.

Submission:

Labcorp Genetics (formerly Invitae), Labcorp
Classification: Uncertain significance for Charcot-Marie-Tooth Neuropathy X. Last evaluated: 2022-03-18. Review status: criteria provided, single submitter. Criteria: Invitae Variant Classification Sherloc (09022015). Collection method: clinical testing. Allele origin: germline.
Comment: In summary, the available evidence is currently insufficient to determine the role of this variant in disease. Therefore, it has been classified as a Variant of Uncertain Significance. Algorithms developed to predict the effect of missense changes on protein structure and function are either unavailable or do not agree on the potential impact of this missense change (SIFT: "Deleterious"; PolyPhen-2: "Benign"; Align-GVGD: "Class C0"). This variant has not been reported in the literature in individuals affected with GJB1-related conditions. This variant is not present in population databases (gnomAD no frequency). This sequence change replaces leucine, which is neutral and non-polar, with proline, which is neutral and non-polar, at codon 263 of the GJB1 protein (p.Leu263Pro).

NM_000166.6(GJB1):c.788T>C (p.Leu263Pro)

Gene: GJB1 (gap junction protein beta 1; plus strand). Cytogenetic location: Xq13.1.
Variant type: single nucleotide variant.
Coding change: c.788T>C on transcript NM_000166.6 (MANE Select); coding-DNA position 788, T replaced by C.
Protein change: p.Leu263Pro; replaces leucine 263 with proline.
Molecular consequence: missense variant.
Genome position (GRCh38, 1-based): chrX:71,224,495, T>C. VCF-style: chrX-71224495-T-C. GRCh37 (hg19) VCF-style: chrX-70444345-T-C.
Other names: c.788T>C, p.Leu263Pro (NM_001097642.3); short protein forms L263P.
Identifiers: ClinVar variation 2113558 (VCV002113558.4), dbSNP rs2519799311, ClinGen allele CA413504130.